The following is an entry in ClinVar:

NM_014049.5(ACAD9):c.1095G>A (p.Gly365=)

Gene: ACAD9 (acyl-CoA dehydrogenase family member 9; plus strand). Cytogenetic location: 3q21.3.
Variant type: single nucleotide variant.
Coding change: c.1095G>A on transcript NM_014049.5 (MANE Select); coding-DNA position 1095, G replaced by A.
Protein change: p.Gly365=; no amino-acid change (glycine 365 retained).
Molecular consequence: synonymous variant. On other transcripts: non-coding transcript variant (1).
Genome position (GRCh38, 1-based): chr3:128,904,451, G>A. VCF-style: chr3-128904451-G-A. GRCh37 (hg19) VCF-style: chr3-128623294-G-A.
Other names: c.726G>A, p.Gly242= (NM_001410805.1).
Identifiers: ClinVar variation 5041198 (VCV005041198.1).

ClinVar aggregate classification (germline): Likely benign (1 of 4 stars; one submission).

gnomAD v4.1: 2 of 1,614,122 alleles (0.00012%); highest among the groups gnomAD compares: African/African-American, 0.0027%; no homozygotes.

Submission:

CeGaT Center for Human Genetics Tuebingen
Classification: Likely benign. Last evaluated: 2026-09-01. Review status: criteria provided, single submitter. Criteria: CeGaT Center For Human Genetics Tuebingen Variant Classification Criteria Version 2. Collection method: clinical testing. Allele origin: germline. Affected: yes. Observed: 1 variant allele.
Comment: ACAD9: BP4, BP7